The following is an entry in ClinVar:

NC_000012.11:g.(?_110002904)_(110003001_?)del

Gene: MMAB (metabolism of cobalamin associated B; minus strand). Cytogenetic location: 12q24.11.
Variant type: Deletion.
Identifiers: ClinVar variation 3244316 (VCV003244316.1).

ClinVar aggregate classification (germline): Pathogenic (1 of 4 stars; one submission).

Conditions:
Methylmalonic aciduria, cblB type (MACB). Also called: METHYLMALONIC ACIDURIA, VITAMIN B12-RESPONSIVE, DUE TO DEFECT IN SYNTHESIS OF ADENOSYLCOBALAMIN, cblB TYPE; Methylmalonic acidemia cblB type; Vitamin B12-responsive methylmalonic acidemia type cblB. Identifiers: Orphanet 28, Orphanet 79311, MedGen C1855102, MONDO:0009614, OMIM 251110.

Submission:

Labcorp Genetics (formerly Invitae), Labcorp
Classification: Pathogenic for Methylmalonic aciduria, cblB type. Last evaluated: 2023-11-21. Review status: criteria provided, single submitter. Criteria: Invitae Variant Classification Sherloc (09022015). Collection method: clinical testing. Allele origin: unknown.
Comment: This variant is a gross deletion of the genomic region encompassing exon(s) 4 of the MMAB gene. This deletion is out-of-frame, and is expected to create a premature termination codon and result in an absent or disrupted protein product. Loss-of-function variants in MMAB are known to be pathogenic (PMID: 15781192, 16410054). This variant has not been reported in the literature in individuals affected with MMAB-related conditions. For these reasons, this variant has been classified as Pathogenic.

Literature cited by the submitters: PubMed 15781192; PubMed 16410054.